The following is an entry in ClinVar:

ClinVar aggregate classification (germline): Uncertain significance (1 of 4 stars; one submission).

Allele frequency attached by ClinVar (database versions not stated): ExAC 0.00003; gnomAD 0.00003; TOPMed 0.00004; gnomAD exomes 0.00005; ESP Exome Variant Server 0.00023.
gnomAD v4.1: 72 of 1,611,800 alleles (0.0045%); highest among the groups gnomAD compares: Non-Finnish European, 0.0058%; 1 homozygote.

Submission:

Labcorp Genetics (formerly Invitae), Labcorp
Classification: Uncertain significance. Last evaluated: 2025-02-24. Review status: criteria provided, single submitter. Criteria: Invitae Variant Classification Sherloc (09022015). Collection method: clinical testing. Allele origin: germline.
Comment: This sequence change replaces threonine, which is neutral and polar, with serine, which is neutral and polar, at codon 489 of the TRRAP protein (p.Thr489Ser). This variant is present in population databases (rs140514468, gnomAD 0.005%). This variant has not been reported in the literature in individuals affected with TRRAP-related conditions. ClinVar contains an entry for this variant (Variation ID: 2078076). Experimental studies and prediction algorithms are not available or were not evaluated, and the functional significance of this variant is currently unknown. In summary, the available evidence is currently insufficient to determine the role of this variant in disease. Therefore, it has been classified as a Variant of Uncertain Significance.

NM_001375524.1(TRRAP):c.1466C>G (p.Thr489Ser)

Gene: TRRAP (transformation/transcription domain associated protein; plus strand). Cytogenetic location: 7q22.1.
Variant type: single nucleotide variant.
Coding change: c.1466C>G on transcript NM_001375524.1 (MANE Select); coding-DNA position 1466, C replaced by G.
Protein change: p.Thr489Ser; replaces threonine 489 with serine.
Molecular consequence: missense variant.
Genome position (GRCh38, 1-based): chr7:98,910,171, C>G. VCF-style: chr7-98910171-C-G. GRCh37 (hg19) VCF-style: chr7-98507794-C-G.
Other names: c.1466C>G, p.Thr489Ser (NM_001244580.2, NM_003496.4); short protein forms T489S.
Identifiers: ClinVar variation 2078076 (VCV002078076.3), dbSNP rs140514468, ClinGen allele CA4359521.
Genomic context (GRCh38, chr7:98,910,171, plus strand): 5'-AGAAGTGTAAGCCTCAGTCAGAACTTGGAGCCGTGGAAGCAGCTCTGCCTGGGGTGCCCA[C>G]TGCCCCTGCAGCTCCTGGCCCTGCTCCCTCCCCAGCCCCTGTCCCTGCCCCACCTCCACC-3'
Protein context (NP_001362453.1, residues 479-499): AVEAALPGVP[Thr489Ser]APAAPGPAPS